The following is an entry in ClinVar:

NM_000540.3(RYR1):c.12575T>C (p.Ile4192Thr)

Gene: RYR1 (ryanodine receptor 1; plus strand). Cytogenetic location: 19q13.2.
Variant type: single nucleotide variant.
Coding change: c.12575T>C on transcript NM_000540.3 (MANE Select); coding-DNA position 12575, T replaced by C.
Protein change: p.Ile4192Thr; replaces isoleucine 4192 with threonine.
Molecular consequence: missense variant.
Genome position (GRCh38, 1-based): chr19:38,561,405, T>C. VCF-style: chr19-38561405-T-C. GRCh37 (hg19) VCF-style: chr19-39052045-T-C.
Other names: c.12560T>C, p.Ile4187Thr (NM_001042723.2); short protein forms I4192T, I4187T.
Identifiers: ClinVar variation 432803 (VCV000432803.2), dbSNP rs1555798659, ClinGen allele CA405669745.

ClinVar aggregate classification (germline): Uncertain significance (1 of 4 stars; one submission).

Submission:

GeneDx
Classification: Uncertain significance. Last evaluated: 2017-06-13. Review status: criteria provided, single submitter. Criteria: GeneDx Variant Classification (06012015). Collection method: clinical testing. Allele origin: germline. Affected: yes.
Comment: The I4192T variant in the RYR1 gene has not been reported previously as a pathogenic variant, nor as a benign variant, to our knowledge. The I4192T variant is not observed in large population cohorts (Lek et al., 2016; 1000 Genomes Consortium et al., 2015; Exome Variant Server). The I4192T variant is a non-conservative amino acid substitution, which is likely to impact secondary protein structure as these residues differ in polarity, charge, size and/or other properties. This substitution occurs at a position where amino acids with similar properties to Isoleucine are tolerated across species. In silico analysis predicts this variant is probably damaging to the protein structure/function. We interpret I4192T as a variant of uncertain significance.